The following is an entry in ClinVar:

NM_000092.5(COL4A4):c.1369+1G>A

Gene: COL4A4 (collagen type IV alpha 4 chain; minus strand). Cytogenetic location: 2q36.3.
Variant type: single nucleotide variant.
Coding change: c.1369+1G>A on transcript NM_000092.5 (MANE Select); the canonical splice donor site of the intron after coding-DNA position 1369, G replaced by A.
Molecular consequence: splice donor variant.
Genome position (GRCh38, 1-based): chr2:227,094,124, C>T on the plus strand (G>A on the coding strand, the complement: COL4A4 is on the minus strand). VCF-style: chr2-227094124-C-T. GRCh37 (hg19) VCF-style: chr2-227958840-C-T.
Identifiers: ClinVar variation 553711 (VCV000553711.12), dbSNP rs1553676230, ClinGen allele CA350851951.

ClinVar aggregate classification (germline): Pathogenic/Likely pathogenic. Review status: criteria provided, multiple submitters, no conflicts (2 of 4 stars). 5 submissions from 5 submitters: Pathogenic (2); Likely pathogenic (1). 2 of the submissions do not count toward it. Last evaluated 2026-05-28.

Conditions:
Alport syndrome. Also called: Hemorrhagic familial nephritis; Hemorrhagic hereditary nephritis; Congenital hereditary hematuria. Identifiers: Orphanet 63, MedGen C1567741, MONDO:0018965.
Autosomal dominant Alport syndrome (ATS3A). Also called: Alport syndrome dominant type; Renal failure and sensorineural hearing loss; ALPORT SYNDROME 3A, AUTOSOMAL DOMINANT. Identifiers: Orphanet 63, Orphanet 88918, MedGen C5882663, MONDO:0007086, OMIM 104200.
Hematuria, benign familial, 1 (BFH1). Also called: THIN MEMBRANE NEPHROPATHY. Identifiers: MedGen CN376803, MONDO:0007709, OMIM 141200.
Autosomal recessive Alport syndrome (ATS2). Also called: COL4A4 Alport Syndrome and Thin Basement Membrane Nephropathy; COL4A3-Related Nephropathy; ALPORT SYNDROME 2, AUTOSOMAL RECESSIVE; Alport syndrome type 2. Identifiers: Orphanet 63, Orphanet 88919, MedGen C4746745, MONDO:0008762, OMIM 203780.

Allele frequency attached by ClinVar (database versions not stated): gnomAD exomes below 0.00001.
gnomAD v4.1: 1 of 1,613,548 alleles (0.000062%); highest among the groups gnomAD compares: Non-Finnish European, 0.000085%; no homozygotes.

Submissions (5):

Centre de Génétique Humaine, Institut de Pathologie Et de Génétique
Classification: Pathogenic for Hematuria, benign familial, 1; Autosomal dominant Alport syndrome. Last evaluated: 2026-05-28. Review status: criteria provided, single submitter. Criteria: ACMG Guidelines, 2015. Collection method: clinical testing. Allele origin: germline, paternal. Inheritance: Autosomal dominant inheritance. Affected: yes. Observed: 2 variant alleles, 2 heterozygotes. Clinical features observed: Microscopic hematuria (HP:0002907), Stage 5 chronic kidney disease (HP:0003774). Segregation with disease observed.
Comment: Variant located in the canonical donor splice site of intron 20 (PVS1). This variant is rare: allelic frequency of 0.00018% in gnomAD v4.1.0 database (PM2). Described in patients with TBMN and CKD (PP5)

Victorian Clinical Genetics Services, Murdoch Childrens Research Institute
Classification: Pathogenic for Alport syndrome. Last evaluated: 2024-12-10. Review status: criteria provided, single submitter. Criteria: ACMG Guidelines, 2015. Collection method: clinical testing. Allele origin: germline. Affected: yes.
Comment: This variant is classified as Pathogenic. Evidence in support of pathogenic classification: Canonical splice site variant without proven consequence on splicing (no functional evidence available); Variant is present in gnomAD <0.01 (v4: 1 heterozygote(s), 0 homozygote(s)); This variant has moderate previous evidence of pathogenicity in unrelated individuals. It has been classified as likely pathogenic by clinical laboratories in ClinVar; Another splice variant comparable to the one identified in this case has limited previous evidence for pathogenicity. c.1321_1369+3del has been classified as pathogenic by multiple clinical laboratories (ClinVar). - Abnormal splicing is predicted by in silico tool and affected nucleotide is highly conserved. Additional information: This variant is heterozygous; This gene is associated with both recessive and dominant disease. Alport syndrome typically has biallelic inheritance, although rare cases of monoallelic inheritance have been reported (PMID: 28704582). Thin basement membrane nephropathy (TBMN) and focal segmental glomerulosclerosis (FSGS) are associated with autosomal dominant inheritance (OMIM, PMIDs: 16467446, 17942953); No published segregation evidence has been identified for this variant; No published functional evidence has been identified for this variant; Loss of function is a known mechanism of disease for this gene and is associated with Alport syndrome. Dominant negative is a suspected mechanism of disease for this gene as it is a structural protein (PMID: 12028435, 24046192). - Inheritance information for this variant is not currently available in this individual.

Labcorp Genetics (formerly Invitae), Labcorp
Classification: Likely pathogenic. Last evaluated: 2020-07-09. Review status: criteria provided, single submitter. Criteria: Invitae Variant Classification Sherloc (09022015). Collection method: clinical testing. Allele origin: germline.
Comment: In summary, the currently available evidence indicates that the variant is pathogenic, but additional data are needed to prove that conclusively. Therefore, this variant has been classified as Likely Pathogenic. Donor and acceptor splice site variants typically lead to a loss of protein function (PMID: 16199547), and loss-of-function variants in COL4A4 are known to be pathogenic (PMID: 19129241, 21196518, 24052634, 24522496, 24854265, 25307543, 26809805, 27281700). Algorithms developed to predict the effect of sequence changes on RNA splicing suggest that this variant may disrupt the consensus splice site, but this prediction has not been confirmed by published transcriptional studies. This variant has not been reported in the literature in individuals with COL4A4-related conditions. ClinVar contains an entry for this variant (Variation ID: 553711). This variant is not present in population databases (ExAC no frequency). This sequence change affects a donor splice site in intron 20 of the COL4A4 gene. It is expected to disrupt RNA splicing and likely results in an absent or disrupted protein product.

Natera, Inc.
Classification: Likely pathogenic for Alport syndrome. Last evaluated: 2020-07-28. Review status: no assertion criteria provided. Collection method: clinical testing. Allele origin: germline. Not counted in ClinVar's aggregate classification.

Counsyl
Classification: Likely pathogenic for Autosomal recessive Alport syndrome. Last evaluated: 2017-09-06. Review status: no assertion criteria provided. Collection method: clinical testing. Allele origin: unknown. Not counted in ClinVar's aggregate classification.

Literature cited by the submitters: PubMed 36130833 (cited by Centre de Génétique Humaine, Institut de Pathologie Et de Génétique); PubMed 38972501 (cited by Centre de Génétique Humaine, Institut de Pathologie Et de Génétique); PubMed 24046192 (cited by Victorian Clinical Genetics Services, Murdoch Childrens Research Institute); PubMed 16467446 (cited by Victorian Clinical Genetics Services, Murdoch Childrens Research Institute); PubMed 12028435 (cited by Victorian Clinical Genetics Services, Murdoch Childrens Research Institute); PubMed 28704582 (cited by Victorian Clinical Genetics Services, Murdoch Childrens Research Institute); PubMed 17942953 (cited by Victorian Clinical Genetics Services, Murdoch Childrens Research Institute); PubMed 16199547 (cited by Labcorp Genetics (formerly Invitae), Labcorp); PubMed 19129241 (cited by Labcorp Genetics (formerly Invitae), Labcorp); PubMed 21196518 (cited by Labcorp Genetics (formerly Invitae), Labcorp); PubMed 24052634 (cited by Labcorp Genetics (formerly Invitae), Labcorp); PubMed 24522496 (cited by Labcorp Genetics (formerly Invitae), Labcorp); PubMed 24854265 (cited by Labcorp Genetics (formerly Invitae), Labcorp); PubMed 25307543 (cited by Labcorp Genetics (formerly Invitae), Labcorp); PubMed 26809805 (cited by Labcorp Genetics (formerly Invitae), Labcorp); PubMed 27281700 (cited by Labcorp Genetics (formerly Invitae), Labcorp).